The following is an entry in ClinVar:

ClinVar aggregate classification (germline): Benign/Likely benign. Review status: criteria provided, multiple submitters, no conflicts (2 of 4 stars). 10 submissions from 10 submitters: Benign (2); Likely benign (7). 1 of the submissions does not count toward it. Last evaluated 2026-01-24.

Conditions:
LAMA2-related disorder. Also called: LAMA2-related disorders; LAMA2-related condition.
LAMA2-related muscular dystrophy (LAMA2-RD). Also called: Laminin alpha 2-related dystrophy. Identifiers: MedGen C5679788, MONDO:0100228.

Allele frequency attached by ClinVar (database versions not stated): gnomAD exomes 0.00019 and 0.00058; ExAC 0.00072; 1000 Genomes Project 0.00140; 1000 Genomes Project 30x 0.00172; ESP Exome Variant Server 0.00215; gnomAD 0.00220 and 0.00238; TOPMed 0.00266.
gnomAD v4.1: 627 of 1,609,684 alleles (0.039%); highest among the groups gnomAD compares: African/African-American, 0.73%; 4 homozygotes.

Submissions (10):

Labcorp Genetics (formerly Invitae), Labcorp
Classification: Benign for LAMA2-related muscular dystrophy. Last evaluated: 2026-01-24. Review status: criteria provided, single submitter. Criteria: Invitae Variant Classification Sherloc (09022015). Collection method: clinical testing. Allele origin: germline.

Mayo Clinic Laboratories, Mayo Clinic
Classification: Likely benign. Last evaluated: 2025-10-18. Review status: criteria provided, single submitter. Criteria: ACMG Guidelines, 2015. Collection method: clinical testing. Allele origin: germline. Observed: 8 variant alleles.
Comment: BS1, BP4, BP7

Blueprint Genetics
Classification: Likely benign. Last evaluated: 2024-08-23. Review status: criteria provided, single submitter. Criteria: ACMG Guidelines, 2015. Collection method: clinical testing. Allele origin: germline.

CeGaT Center for Human Genetics Tuebingen
Classification: Likely benign. Last evaluated: 2022-10-01. Review status: criteria provided, single submitter. Criteria: CeGaT Center For Human Genetics Tuebingen Variant Classification Criteria Version 2. Collection method: clinical testing. Allele origin: germline. Affected: yes. Observed: 1 variant allele.
Comment: LAMA2: BP4, BS2

GeneDx
Classification: Likely benign. Last evaluated: 2018-03-20. Review status: criteria provided, single submitter. Criteria: GeneDx Variant Classification (06012015). Collection method: clinical testing. Allele origin: germline. Affected: yes.
Comment: This variant is considered likely benign or benign based on one or more of the following criteria: it is a conservative change, it occurs at a poorly conserved position in the protein, it is predicted to be benign by multiple in silico algorithms, and/or has population frequency not consistent with disease.

Eurofins Ntd Llc (ga)
Classification: Likely benign. Last evaluated: 2017-08-08. Review status: criteria provided, single submitter. Criteria: EGL Classification Definitions 2015. Collection method: clinical testing. Allele origin: germline. Observed: 1 variant allele, 1 heterozygote.

Athena Diagnostics
Classification: Benign. Last evaluated: 2017-04-25. Review status: criteria provided, single submitter. Criteria: Athena Diagnostics Criteria. Collection method: clinical testing. Allele origin: germline.

Genetic Services Laboratory, University of Chicago
Classification: Likely benign. Last evaluated: 2015-11-11. Review status: criteria provided, single submitter. Criteria: ACMG Guidelines, 2015. Collection method: clinical testing. Allele origin: germline. Affected: no.

Breakthrough Genomics
Classification: Likely benign. Review status: criteria provided, single submitter. Criteria: ACMG Guidelines, 2015. Collection method: not provided. Allele origin: germline. Inheritance: Autosomal recessive inheritance. Affected: yes.

PreventionGenetics, part of Exact Sciences
Classification: Benign for LAMA2-related condition. Last evaluated: 2019-06-11. Review status: no assertion criteria provided. Collection method: clinical testing. Allele origin: germline. Not counted in ClinVar's aggregate classification.
Comment: This variant is classified as benign based on ACMG/AMP sequence variant interpretation guidelines (Richards et al. 2015 PMID: 25741868, with internal and published modifications).

NM_000426.4(LAMA2):c.6429+8C>A

Gene: LAMA2 (laminin subunit alpha 2; plus strand). Cytogenetic location: 6q22.33.
Variant type: single nucleotide variant.
Coding change: c.6429+8C>A on transcript NM_000426.4 (MANE Select); 8 bases into the intron after coding-DNA position 6429, C replaced by A.
Molecular consequence: intron variant.
Genome position (GRCh38, 1-based): chr6:129,445,829, C>A. VCF-style: chr6-129445829-C-A. GRCh37 (hg19) VCF-style: chr6-129766974-C-A.
Other names: p.?; c.6429+8C>A (NM_001079823.2).
Identifiers: ClinVar variation 435709 (VCV000435709.48), dbSNP rs199773264, ClinGen allele CA3994254.
Genomic context (GRCh38, chr6:129,445,829, plus strand): 5'-ACATCTCTGAGATAAAGGAATTGATAAACCAAGCTCGGAAACAAGCCAATTCTGTAAGTT[C>A]TTTTTATCGTCAGTATCAGTAACTGATTGTAATTGTTGGATTATTCATAGAGGGAATGTC-3'